The following is an entry in ClinVar:

ClinVar aggregate classification (germline): Uncertain significance (1 of 4 stars; one submission).

gnomAD v4.1: 5 of 1,611,386 alleles (0.00031%); highest among the groups gnomAD compares: Non-Finnish European, 0.00042%; no homozygotes.

Submission:

Labcorp Genetics (formerly Invitae), Labcorp
Classification: Uncertain significance. Last evaluated: 2025-05-05. Review status: criteria provided, single submitter. Criteria: Invitae Variant Classification Sherloc (09022015). Collection method: clinical testing. Allele origin: germline.
Comment: The OPA1 gene has multiple clinically relevant transcripts. This variant occurs in alternate transcript NM_130837.2, and corresponds to NM_015560.2:c.625-5412A>G in the primary transcript. This sequence change replaces lysine, which is basic and polar, with glutamic acid, which is acidic and polar, at codon 263 of the OPA1 protein (p.Lys263Glu). This variant is present in population databases (no rsID available, gnomAD 0.002%). This variant has not been reported in the literature in individuals affected with OPA1-related conditions. Experimental studies and prediction algorithms are not available or were not evaluated, and the functional significance of this variant is currently unknown. Algorithms developed to predict the effect of sequence changes on RNA splicing suggest that this variant is not likely to affect RNA splicing. In summary, the available evidence is currently insufficient to determine the role of this variant in disease. Therefore, it has been classified as a Variant of Uncertain Significance.

NM_130837.3(OPA1):c.787A>G (p.Lys263Glu)

Genes: OPA1 (OPA1 mitochondrial dynamin like GTPase; plus strand), OPA1-AS1 (OPA1 antisense RNA 1; minus strand). Cytogenetic location: 3q29.
Variant type: single nucleotide variant.
Coding change: c.787A>G on transcript NM_130837.3 (MANE Select); coding-DNA position 787, A replaced by G.
Protein change: p.Lys263Glu; replaces lysine 263 with glutamic acid.
Molecular consequence: missense variant. On other transcripts: intron variant (5).
Genome position (GRCh38, 1-based): chr3:193,626,200, A>G. VCF-style: chr3-193626200-A-G. GRCh37 (hg19) VCF-style: chr3-193343989-A-G.
Other names: c.625A>G, p.Lys209Glu (NM_130833.3); c.679A>G, p.Lys227Glu (NM_130835.3); c.733A>G, p.Lys245Glu (NM_130836.3); c.253-5412A>G (NM_001354664.2); c.679-5412A>G (NM_130834.3); c.625-5412A>G (NM_015560.3); c.571-5412A>G (NM_130832.3); c.517-5412A>G (NM_130831.3); and 1 more; short protein forms K209E, K227E, K263E, K245E, K85E.
Identifiers: ClinVar variation 4768376 (VCV004768376.1).